The following is an entry in ClinVar:

NM_003361.4(UMOD):c.698G>T (p.Gly233Val)

Gene: UMOD (uromodulin; minus strand). Cytogenetic location: 16p12.3.
Variant type: single nucleotide variant.
Coding change: c.698G>T on transcript NM_003361.4 (MANE Select); coding-DNA position 698, G replaced by T.
Protein change: p.Gly233Val; replaces glycine 233 with valine.
Molecular consequence: missense variant. On other transcripts: non-coding transcript variant (1).
Genome position (GRCh38, 1-based): chr16:20,348,603, C>A on the plus strand (G>T on the coding strand, the complement: UMOD is on the minus strand). VCF-style: chr16-20348603-C-A. GRCh37 (hg19) VCF-style: chr16-20359925-C-A.
Other names: c.698G>T, p.Gly233Val (NM_001008389.3, NM_001378232.1, NM_001378233.1 and 3 more transcripts); c.797G>T, p.Gly266Val (NM_001278614.2); short protein forms G233V, G266V.
Identifiers: ClinVar variation 988175 (VCV000988175.1), dbSNP rs1965720354, ClinGen allele CA394985060.

ClinVar aggregate classification (germline): Uncertain significance (0 of 4 stars; one submission).

Conditions:
Autosomal dominant medullary cystic kidney disease with or without hyperuricemia. Identifiers: Orphanet 34149, MedGen C4511620, MONDO:0008264.

Submission:

Sydney Genome Diagnostics, Children's Hospital Westmead
Classification: Uncertain significance for Autosomal dominant medullary cystic kidney disease with or without hyperuricemia. Last evaluated: 2018-05-03. Review status: no assertion criteria provided. Collection method: clinical testing. Allele origin: unknown. Affected: yes. Observed: 1 variant allele, 1 heterozygote.
Comment: To our knowledge, this variant has not been reported in any population databases (i.e. ExAC, ESP or dbSNP), and also has not been previously reported in the literature or any disease specific databases. In silico analysis (Alamut Visual v2.8.1) is inconclusive regarding this variant, SIFT predicts it to be likely benign whereas PolyPhen2 and MutationTaster predicts it to be likely pathogenic. This variant is considered to be a variant of uncertain clinical significance (VOUS) according to the ACMG guidelines.